The following is an entry in ClinVar:

NM_001080414.4(CCDC88C):c.786G>T (p.Arg262Ser)

Gene: CCDC88C (coiled-coil domain containing 88C; minus strand). Cytogenetic location: 14q32.11.
Variant type: single nucleotide variant.
Coding change: c.786G>T on transcript NM_001080414.4 (MANE Select); coding-DNA position 786, G replaced by T.
Protein change: p.Arg262Ser; replaces arginine 262 with serine.
Molecular consequence: missense variant.
Genome position (GRCh38, 1-based): chr14:91,339,301, C>A on the plus strand (G>T on the coding strand, the complement: CCDC88C is on the minus strand). VCF-style: chr14-91339301-C-A. GRCh37 (hg19) VCF-style: chr14-91805645-C-A.
Other names: short protein forms R262S.
Identifiers: ClinVar variation 1030085 (VCV001030085.1), dbSNP rs368545314, ClinGen allele CA7310119.

ClinVar aggregate classification (germline): Uncertain significance (1 of 4 stars; one submission).

Conditions:
Spinocerebellar ataxia type 40. Identifiers: Orphanet 423275, MedGen C4518336, MONDO:0014475, OMIM 616053.

Allele frequency attached by ClinVar (database versions not stated): ExAC 0.00001; gnomAD exomes 0.00001; gnomAD 0.00004; TOPMed 0.00005 and 0.00006; ESP Exome Variant Server 0.00015.
gnomAD v4.1: 10 of 1,613,038 alleles (0.00062%); highest among the groups gnomAD compares: African/African-American, 0.011%; no homozygotes.

Submission:

Baylor Genetics
Classification: Uncertain significance for Spinocerebellar ataxia type 40. Last evaluated: 2020-07-29. Review status: criteria provided, single submitter. Criteria: ACMG Guidelines, 2015. Collection method: clinical testing. Allele origin: unknown. Affected: yes.
Comment: This variant was determined to be of uncertain significance according to ACMG Guidelines, 2015 [PMID:25741868].